The following is an entry in ClinVar:

ClinVar aggregate classification (germline): Conflicting classifications of pathogenicity. Review status: criteria provided, conflicting classifications (1 of 4 stars). 4 submissions from 4 submitters: Uncertain significance (2); Likely benign (1). 1 of the submissions does not count toward it. Last evaluated 2025-06-13.

Conditions:
Atypical hemolytic-uremic syndrome. Identifiers: Orphanet 2134, MedGen C2931788, MONDO:0016244.
Complement component 3 deficiency. Identifiers: Orphanet 280133, MedGen C3151071, MONDO:0013417, OMIM 613779.
Atypical hemolytic-uremic syndrome with C3 anomaly. Also called: AHUS, SUSCEPTIBILITY TO, 5. Identifiers: Orphanet 2134, MedGen C2752037, MONDO:0013043, OMIM 612925.
Age related macular degeneration 9. Identifiers: MedGen C1969651, MONDO:0012659, OMIM 611378.

Allele frequency attached by ClinVar (database versions not stated): TOPMed below 0.00001; gnomAD 0.00001; gnomAD exomes 0.00001.
gnomAD v4.1: 23 of 1,613,972 alleles (0.0014%); highest among the groups gnomAD compares: Middle Eastern, 0.017%; no homozygotes.

Submissions (4):

Labcorp Genetics (formerly Invitae), Labcorp
Classification: Uncertain significance. Last evaluated: 2025-06-13. Review status: criteria provided, single submitter. Criteria: Invitae Variant Classification Sherloc (09022015). Collection method: clinical testing. Allele origin: germline.
Comment: This sequence change replaces alanine, which is neutral and non-polar, with threonine, which is neutral and polar, at codon 667 of the C3 protein (p.Ala667Thr). This variant is present in population databases (rs199535288, gnomAD 0.006%). This variant has not been reported in the literature in individuals affected with C3-related conditions. ClinVar contains an entry for this variant (Variation ID: 988244). Invitae Evidence Modeling of protein sequence and biophysical properties (such as structural, functional, and spatial information, amino acid conservation, physicochemical variation, residue mobility, and thermodynamic stability) indicates that this missense variant is not expected to disrupt C3 protein function with a negative predictive value of 80%. In summary, the available evidence is currently insufficient to determine the role of this variant in disease. Therefore, it has been classified as a Variant of Uncertain Significance.

Fulgent Genetics
Classification: Uncertain significance for Age related macular degeneration 9; Atypical hemolytic-uremic syndrome with C3 anomaly; Complement component 3 deficiency. Last evaluated: 2022-02-05. Review status: criteria provided, single submitter. Criteria: ACMG Guidelines, 2015. Collection method: clinical testing. Allele origin: unknown.

Blueprint Genetics
Classification: Likely benign. Last evaluated: 2021-01-14. Review status: criteria provided, single submitter. Criteria: ACMG Guidelines, 2015. Collection method: clinical testing. Allele origin: germline.

Sydney Genome Diagnostics, Children's Hospital Westmead
Classification: Uncertain significance for Atypical hemolytic-uremic syndrome. Last evaluated: 2018-05-31. Review status: no assertion criteria provided. Collection method: clinical testing. Allele origin: unknown. Affected: yes. Observed: 1 variant allele, 1 heterozygote. Not counted in ClinVar's aggregate classification.
Comment: To our knowledge, this variant has not been previously reported to be a disease causing variant and it has not been reported in the ExAC allele frequency database. In silico analysis (using Alamutv2.7.2) using Align GVGD; SIFT; Mutation Taster and PolyPhen2 all predict that this variant is likely to be benign

NM_000064.4(C3):c.1999G>A (p.Ala667Thr)

Gene: C3 (complement C3; minus strand). Cytogenetic location: 19p13.3.
Variant type: single nucleotide variant.
Coding change: c.1999G>A on transcript NM_000064.4 (MANE Select); coding-DNA position 1999, G replaced by A.
Protein change: p.Ala667Thr; replaces alanine 667 with threonine.
Molecular consequence: missense variant.
Genome position (GRCh38, 1-based): chr19:6,707,514, C>T on the plus strand (G>A on the coding strand, the complement: C3 is on the minus strand). VCF-style: chr19-6707514-C-T. GRCh37 (hg19) VCF-style: chr19-6707525-C-T.
Other names: short protein forms A667T.
Identifiers: ClinVar variation 988244 (VCV000988244.10), dbSNP rs199535288, ClinGen allele CA304793328.
Genomic context (GRCh38, chr19:6,707,514, plus strand): 5'-AAAGGCTCCCACCTTTGTCCATTCGCTTCTCCGTGAGCTGCACGGAACGGCGTCGGCGGG[C>T]GGCTGGCTGCGGGCACTGAAGTTCTGCAGGGCAGGCGGACCGAGAAGAAGATGGATGAGG-3'
Protein context (NP_000055.2, residues 657-677): RAELQCPQPA[Ala667Thr]RRRRSVQLTE